The following is an entry in ClinVar:

ClinVar aggregate classification (germline): Pathogenic (1 of 4 stars; one submission).

Conditions:
Ataxia-telangiectasia syndrome (AT). Also called: LOUIS-BAR SYNDROME; Ataxia-telangiectasia, complementation group D; AT, COMPLEMENTATION GROUP C; Cerebello-oculocutaneous telangiectasia; Immunodeficiency with ataxia telangiectasia; ATAXIA-TELANGIECTASIA, COMPLEMENTATION GROUP A. Identifiers: Orphanet 100, MedGen C0004135, MONDO:0008840, OMIM 208900.

Submission:

Labcorp Genetics (formerly Invitae), Labcorp
Classification: Pathogenic for Ataxia-telangiectasia syndrome. Last evaluated: 2020-02-06. Review status: criteria provided, single submitter. Criteria: Invitae Variant Classification Sherloc (09022015). Collection method: clinical testing. Allele origin: germline.
Comment: For these reasons, this variant has been classified as Pathogenic. Loss-of-function variants in ATM are known to be pathogenic (PMID: 23807571, 25614872). This variant has not been reported in the literature in individuals with ATM-related conditions. This variant is an out-of-frame deletion of the genomic region encompassing exon(s) 13-61 of the ATM gene. This is expected to create a premature translational stop signal and result in an absent or disrupted protein product.

Literature cited by the submitters: PubMed 23807571; PubMed 25614872.

NC_000011.9:g.(?_108124486)_(108225611_?)del

Gene: ATM (ATM serine/threonine kinase; plus strand). Cytogenetic location: 11q22.3.
Variant type: Deletion.
Identifiers: ClinVar variation 1071692 (VCV001071692.5).